The following is an entry in ClinVar:

NM_004260.4(RECQL4):c.3617T>G (p.Val1206Gly)

Gene: RECQL4 (RecQ like helicase 4; minus strand). Cytogenetic location: 8q24.3.
Variant type: single nucleotide variant.
Coding change: c.3617T>G on transcript NM_004260.4 (MANE Select); coding-DNA position 3617, T replaced by G.
Protein change: p.Val1206Gly; replaces valine 1206 with glycine.
Molecular consequence: missense variant. On other transcripts: non-coding transcript variant (3).
Genome position (GRCh38, 1-based): chr8:144,511,441, A>C on the plus strand (T>G on the coding strand, the complement: RECQL4 is on the minus strand). VCF-style: chr8-144511441-A-C. GRCh37 (hg19) VCF-style: chr8-145736824-A-C.
Other names: c.2414T>G, p.Val805Gly (NM_001413037.1); c.2348T>G, p.Val783Gly (NM_001413038.1, NM_001413031.1); c.3587T>G, p.Val1196Gly (NM_001413039.1); c.2546T>G, p.Val849Gly (NM_001413040.1, NM_001413034.1, NM_001413035.1 and 4 more transcripts); c.2555T>G, p.Val852Gly (NM_001413041.1); c.2516T>G, p.Val839Gly (NM_001413042.1); c.2150T>G, p.Val717Gly (NM_001413043.1); c.3485T>G, p.Val1162Gly (NM_001413033.1); and 9 more; short protein forms V783G, V805G, V852G, V1140G, V1089G, V1108G, V1162G, V1206G.
Identifiers: ClinVar variation 3646699 (VCV003646699.2).

ClinVar aggregate classification (germline): Uncertain significance (1 of 4 stars; one submission).

Conditions:
Baller-Gerold syndrome (BGS). Also called: CRANIOSYNOSTOSIS WITH RADIAL DEFECTS. Identifiers: Orphanet 1225, MedGen C0265308, MONDO:0009039, OMIM 218600.

gnomAD v4.1: 1 of 1,612,380 alleles (0.000062%); highest among the groups gnomAD compares: Non-Finnish European, 0.000085%; no homozygotes.

Submission:

Labcorp Genetics (formerly Invitae), Labcorp
Classification: Uncertain significance for Baller-Gerold syndrome. Last evaluated: 2024-03-19. Review status: criteria provided, single submitter. Criteria: Invitae Variant Classification Sherloc (09022015). Collection method: clinical testing. Allele origin: germline.
Comment: This sequence change replaces valine, which is neutral and non-polar, with glycine, which is neutral and non-polar, at codon 1206 of the RECQL4 protein (p.Val1206Gly). This variant is not present in population databases (gnomAD no frequency). This variant has not been reported in the literature in individuals affected with RECQL4-related conditions. Algorithms developed to predict the effect of missense changes on protein structure and function output the following: SIFT: "Not Available"; PolyPhen-2: "Not Available"; Align-GVGD: "Not Available". The glycine amino acid residue is found in multiple mammalian species, which suggests that this missense change does not adversely affect protein function. In summary, the available evidence is currently insufficient to determine the role of this variant in disease. Therefore, it has been classified as a Variant of Uncertain Significance.